The following is an entry in ClinVar:

NM_025132.4(WDR19):c.3584C>T (p.Thr1195Met)

Gene: WDR19 (WD repeat domain 19; plus strand). Cytogenetic location: 4p14.
Variant type: single nucleotide variant.
Coding change: c.3584C>T on transcript NM_025132.4 (MANE Select); coding-DNA position 3584, C replaced by T.
Protein change: p.Thr1195Met; replaces threonine 1195 with methionine.
Molecular consequence: missense variant.
Genome position (GRCh38, 1-based): chr4:39,274,826, C>T. VCF-style: chr4-39274826-C-T. GRCh37 (hg19) VCF-style: chr4-39276446-C-T.
Other names: c.3104C>T, p.Thr1035Met (NM_001317924.2); short protein forms T1195M, T1035M.
Identifiers: ClinVar variation 2156251 (VCV002156251.3), dbSNP rs370847858, ClinGen allele CA2892429.

ClinVar aggregate classification (germline): Uncertain significance (1 of 4 stars; one submission).

Conditions:
Senior-Loken syndrome 8 (SLSN8). Identifiers: Orphanet 3156, MedGen C4225376, MONDO:0014579, OMIM 616307.
Asphyxiating thoracic dystrophy 5 (SRTD5). Also called: SHORT-RIB THORACIC DYSPLASIA 5 WITH OR WITHOUT POLYDACTYLY; SHORT-RIB THORACIC DYSPLASIA 5 WITHOUT POLYDACTYLY. Identifiers: Orphanet 474, MedGen C3280598, MONDO:0013717, OMIM 614376.

Allele frequency attached by ClinVar (database versions not stated): ExAC 0.00001; gnomAD exomes 0.00001; TOPMed 0.00002; gnomAD 0.00003; ESP Exome Variant Server 0.00008.
gnomAD v4.1: 11 of 1,613,738 alleles (0.00068%); highest among the groups gnomAD compares: East Asian, 0.0067%; no homozygotes.

Submission:

Labcorp Genetics (formerly Invitae), Labcorp
Classification: Uncertain significance for Senior-Loken syndrome 8; Asphyxiating thoracic dystrophy 5. Last evaluated: 2022-07-05. Review status: criteria provided, single submitter. Criteria: Invitae Variant Classification Sherloc (09022015). Collection method: clinical testing. Allele origin: germline.
Comment: This sequence change replaces threonine, which is neutral and polar, with methionine, which is neutral and non-polar, at codon 1195 of the WDR19 protein (p.Thr1195Met). This variant is present in population databases (rs370847858, gnomAD 0.005%). This variant has not been reported in the literature in individuals affected with WDR19-related conditions. Algorithms developed to predict the effect of missense changes on protein structure and function (SIFT, PolyPhen-2, Align-GVGD) all suggest that this variant is likely to be disruptive. In summary, the available evidence is currently insufficient to determine the role of this variant in disease. Therefore, it has been classified as a Variant of Uncertain Significance.